The following is an entry in ClinVar:

ClinVar aggregate classification (germline): Uncertain significance (1 of 4 stars; one submission).

Conditions:
Idiopathic generalized epilepsy. Also called: EIG; Generalised epilepsy. Identifiers: MedGen C0270850, MONDO:0005579, OMIM 600669.

Allele frequency attached by ClinVar (database versions not stated): ExAC 0.00001; gnomAD 0.00001; gnomAD exomes 0.00001; TOPMed 0.00001; ESP Exome Variant Server 0.00008.
gnomAD v4.1: 21 of 1,607,602 alleles (0.0013%); highest among the groups gnomAD compares: South Asian, 0.0022%; no homozygotes.

Submission:

Labcorp Genetics (formerly Invitae), Labcorp
Classification: Uncertain significance for Idiopathic generalized epilepsy. Last evaluated: 2022-07-26. Review status: criteria provided, single submitter. Criteria: Invitae Variant Classification Sherloc (09022015). Collection method: clinical testing. Allele origin: germline.
Comment: In summary, the available evidence is currently insufficient to determine the role of this variant in disease. Therefore, it has been classified as a Variant of Uncertain Significance. Variants that disrupt the consensus splice site are a relatively common cause of aberrant splicing (PMID: 17576681, 9536098). Algorithms developed to predict the effect of sequence changes on RNA splicing suggest that this variant is not likely to affect RNA splicing. ClinVar contains an entry for this variant (Variation ID: 1523564). This variant has not been reported in the literature in individuals affected with RBFOX1-related conditions. This variant is present in population databases (rs370887797, gnomAD 0.002%). This sequence change falls in intron 7 of the RBFOX1 gene. It does not directly change the encoded amino acid sequence of the RBFOX1 protein. It affects a nucleotide within the consensus splice site.

Literature cited by the submitters: PubMed 17576681; PubMed 9536098.

NM_018723.4(RBFOX1):c.676+4C>T

Gene: RBFOX1 (RNA binding fox-1 homolog 1; plus strand). Cytogenetic location: 16p13.3.
Variant type: single nucleotide variant.
Coding change: c.676+4C>T on transcript NM_018723.4 (MANE Select); 4 bases into the intron after coding-DNA position 676, C replaced by T.
Molecular consequence: intron variant.
Genome position (GRCh38, 1-based): chr16:7,607,342, C>T. VCF-style: chr16-7607342-C-T. GRCh37 (hg19) VCF-style: chr16-7657344-C-T.
Other names: c.676+4C>T (NM_001364800.2, NM_001142333.2, NM_001142334.2); c.805+4C>T (NM_001308117.1); c.736+4C>T (NM_145893.3, NM_145891.3, NM_145892.3).
Identifiers: ClinVar variation 1523564 (VCV001523564.6), dbSNP rs370887797, ClinGen allele CA7891602.